The following is an entry in ClinVar:

NM_006386.5(DDX17):c.1684+1G>A

Gene: DDX17 (DEAD-box helicase 17; minus strand). Cytogenetic location: 22q13.1.
Variant type: single nucleotide variant.
Coding change: c.1684+1G>A on transcript NM_006386.5 (MANE Select); the canonical splice donor site of the intron after coding-DNA position 1684, G replaced by A.
Molecular consequence: splice donor variant. On other transcripts: missense variant (1).
Genome position (GRCh38, 1-based): chr22:38,487,878, C>T on the plus strand (G>A on the coding strand, the complement: DDX17 is on the minus strand). VCF-style: chr22-38487878-C-T. GRCh37 (hg19) VCF-style: chr22-38883883-C-T.
Other names: c.1685G>A, p.Gly562Asp (NM_001098504.2); short protein forms G562D.
Identifiers: ClinVar variation 4683086 (VCV004683086.1).

ClinVar aggregate classification (germline): Uncertain significance (1 of 4 stars; one submission).

Conditions:
DDX17-associated neurodevelopmental disorder.

Submission:

Institute of Human Genetics, University of Leipzig Medical Center
Classification: Uncertain significance for DDX17-associated neurodevelopmental disorder. Last evaluated: 2025-12-19. Review status: criteria provided, single submitter. Criteria: ACMG Guidelines, 2015. Collection method: clinical testing. Allele origin: unknown. Inheritance: Autosomal dominant inheritance. Affected: yes.
Comment: Criteria applied: PM2,PP3

Literature cited by the submitters: PubMed 39405200.